The following is an entry in ClinVar:

NM_177438.3(DICER1):c.1790G>C (p.Gly597Ala)

Gene: DICER1 (dicer 1, ribonuclease III; minus strand). Cytogenetic location: 14q32.13.
Variant type: single nucleotide variant.
Coding change: c.1790G>C on transcript NM_177438.3 (MANE Select); coding-DNA position 1790, G replaced by C.
Protein change: p.Gly597Ala; replaces glycine 597 with alanine.
Molecular consequence: missense variant. On other transcripts: non-coding transcript variant (6).
Genome position (GRCh38, 1-based): chr14:95,115,784, C>G on the plus strand (G>C on the coding strand, the complement: DICER1 is on the minus strand). VCF-style: chr14-95115784-C-G. GRCh37 (hg19) VCF-style: chr14-95582121-C-G.
Other names: c.1790G>C, p.Gly597Ala (NM_001195573.1, NM_001271282.3, NM_001291628.2 and 13 more transcripts); c.1508G>C, p.Gly503Ala (NM_001395686.1); c.1385G>C, p.Gly462Ala (NM_001395687.1, NM_001395688.1, NM_001395689.1 and 3 more transcripts); c.1223G>C, p.Gly408Ala (NM_001395691.1); c.107G>C, p.Gly36Ala (NM_001395697.1); short protein forms G36A, G408A, G462A, G503A, G597A.
Identifiers: ClinVar variation 1780186 (VCV001780186.8), dbSNP rs2543005176, ClinGen allele CA390884126.

ClinVar aggregate classification (germline): Conflicting classifications of pathogenicity. Review status: criteria provided, conflicting classifications (1 of 4 stars). 2 submissions from 2 submitters: Uncertain significance (1); Likely benign (1). Last evaluated 2025-10-01.

Conditions:
Hereditary cancer-predisposing syndrome. Also called: Tumor predisposition; Neoplastic Syndromes, Hereditary; Hereditary Cancer Syndrome; Hereditary neoplastic syndrome. Identifiers: Orphanet 140162, MedGen C0027672, MeSH D009386, MONDO:0015356.
DICER1-related tumor predisposition. Also called: DICER1-related pleuropulmonary blastoma cancer predisposition syndrome; DICER1 syndrome. Identifiers: Orphanet 284343, MedGen C3839822, MONDO:0100216.

Submissions (2):

Labcorp Genetics (formerly Invitae), Labcorp
Classification: Uncertain significance for DICER1-related tumor predisposition. Last evaluated: 2025-10-01. Review status: criteria provided, single submitter. Criteria: Invitae Variant Classification Sherloc (09022015). Collection method: clinical testing. Allele origin: germline.
Comment: This sequence change replaces glycine, which is neutral and non-polar, with alanine, which is neutral and non-polar, at codon 597 of the DICER1 protein (p.Gly597Ala). This variant is not present in population databases (gnomAD no frequency). This variant has not been reported in the literature in individuals affected with DICER1-related conditions. ClinVar contains an entry for this variant (Variation ID: 1780186). Invitae Evidence Modeling of protein sequence and biophysical properties (such as structural, functional, and spatial information, amino acid conservation, physicochemical variation, residue mobility, and thermodynamic stability) indicates that this missense variant is not expected to disrupt DICER1 protein function with a negative predictive value of 95%. In summary, the available evidence is currently insufficient to determine the role of this variant in disease. Therefore, it has been classified as a Variant of Uncertain Significance.

Ambry Genetics
Classification: Likely benign for Hereditary cancer-predisposing syndrome. Last evaluated: 2025-08-06. Review status: criteria provided, single submitter. Criteria: Ambry Variant Classification Scheme 2023. Collection method: clinical testing. Allele origin: germline.